The following is an entry in ClinVar:

ClinVar aggregate classification (germline): Likely benign (1 of 4 stars; one submission).

Allele frequency attached by ClinVar (database versions not stated): 1000 Genomes Project 30x 0.00718; 1000 Genomes Project 0.00799; gnomAD 0.00865; TOPMed 0.00942.
gnomAD v4.1: 1,204 of 152,258 alleles (0.79%); highest among the groups gnomAD compares: African/African-American, 2.7%; 13 homozygotes.

Submission:

GeneDx
Classification: Likely benign. Last evaluated: 2018-06-19. Review status: criteria provided, single submitter. Criteria: GeneDx Variant Classification (06012015). Collection method: clinical testing. Allele origin: germline. Affected: yes.
Comment: This variant is considered likely benign or benign based on one or more of the following criteria: it is a conservative change, it occurs at a poorly conserved position in the protein, it is predicted to be benign by multiple in silico algorithms, and/or has population frequency not consistent with disease.

NM_001330078.2(NRXN1):c.2497+187T>G

Gene: NRXN1 (neurexin 1; minus strand). Cytogenetic location: 2p16.3.
Variant type: single nucleotide variant.
Coding change: c.2497+187T>G on transcript NM_001330078.2 (MANE Select); 187 bases into the intron after coding-DNA position 2497, T replaced by G.
Molecular consequence: intron variant.
Genome position (GRCh38, 1-based): chr2:50,506,308, A>C on the plus strand (T>G on the coding strand, the complement: NRXN1 is on the minus strand). VCF-style: chr2-50506308-A-C. GRCh37 (hg19) VCF-style: chr2-50733446-A-C.
Other names: c.2386+187T>G (NM_001330096.2, NM_001330087.2); c.2431+187T>G (NM_001330083.2, NM_001330084.2); c.2416+187T>G (NM_001330088.2); c.2494+187T>G (NM_001330093.2); c.2485+187T>G (NM_001330094.2); c.2446+187T>G (NM_001330095.2); c.2473+187T>G (NM_001330082.2, NM_001330077.2); c.2470+187T>G (NM_001330085.2); and 2 more.
Identifiers: ClinVar variation 673025 (VCV000673025.1), dbSNP rs75487053, ClinGen allele CA47369850.